The following is an entry in ClinVar:

ClinVar aggregate classification (germline): Uncertain significance (1 of 4 stars; one submission).

Conditions:
Hereditary cancer-predisposing syndrome. Also called: Hereditary Cancer Syndrome; Hereditary neoplastic syndrome; Neoplastic Syndromes, Hereditary; Tumor predisposition. Identifiers: Orphanet 140162, MedGen C0027672, MeSH D009386, MONDO:0015356.

Submission:

Ambry Genetics
Classification: Uncertain significance for Hereditary cancer-predisposing syndrome. Last evaluated: 2026-06-17. Review status: criteria provided, single submitter. Criteria: Ambry Variant Classification Scheme 2023. Collection method: clinical testing. Allele origin: germline.
Comment: The p.M408V variant (also known as c.1222A>G), located in coding exon 9 of the BMPR1A gene, results from an A to G substitution at nucleotide position 1222. The methionine at codon 408 is replaced by valine, an amino acid with highly similar properties. This amino acid position is highly conserved in available vertebrate species. In addition, this alteration is predicted to be deleterious by in silico analysis. Based on the available evidence, the clinical significance of this variant remains unclear.

NM_004329.3(BMPR1A):c.1222A>G (p.Met408Val)

Gene: BMPR1A (bone morphogenetic protein receptor type 1A; plus strand). Cytogenetic location: 10q23.2.
Variant type: single nucleotide variant.
Coding change: c.1222A>G on transcript NM_004329.3 (MANE Select); coding-DNA position 1222, A replaced by G.
Protein change: p.Met408Val; replaces methionine 408 with valine.
Molecular consequence: missense variant.
Genome position (GRCh38, 1-based): chr10:86,921,575, A>G. VCF-style: chr10-86921575-A-G. GRCh37 (hg19) VCF-style: chr10-88681332-A-G.
Other names: c.1297A>G, p.Met433Val (NM_001406559.1); c.1270A>G, p.Met424Val (NM_001406560.1); c.1222A>G, p.Met408Val (NM_001406561.1, NM_001406562.1, NM_001406563.1 and 19 more transcripts); c.1216A>G, p.Met406Val (NM_001406583.1); c.1138A>G, p.Met380Val (NM_001406584.1, NM_001406585.1, NM_001406586.1 and 2 more transcripts); c.880A>G, p.Met294Val (NM_001406589.1); short protein forms M380V, M408V, M433V, M294V, M424V, M406V.
Identifiers: ClinVar variation 1753364 (VCV001753364.3), dbSNP rs2133606641, ClinGen allele CA377462002.